The following is an entry in ClinVar:

NM_003835.4(RGS9):c.861-2A>C

Gene: RGS9 (regulator of G protein signaling 9; plus strand). Cytogenetic location: 17q24.1.
Variant type: single nucleotide variant.
Coding change: c.861-2A>C on transcript NM_003835.4 (MANE Select); the canonical splice acceptor site of the intron before coding-DNA position 861, A replaced by C.
Molecular consequence: splice acceptor variant.
Genome position (GRCh38, 1-based): chr17:65,197,124, A>C. VCF-style: chr17-65197124-A-C. GRCh37 (hg19) VCF-style: chr17-63193242-A-C.
Other names: c.852-2A>C (NM_001081955.3, NM_001165933.2).
Identifiers: ClinVar variation 1517046 (VCV001517046.6), dbSNP rs2144080315, ClinGen allele CA400667214.
Genomic context (GRCh38, chr17:65,197,124, plus strand): 5'-ACCCAGGCCACCACCTGTCACAACCGCTACCTCTCTGGTGCATTTACAAATCATCCTTGC[A>C]GGGTGGAAATCCCAACCAAGATGCGAGTGGAACGATGGGCCTTCAACTTCAGCGAATTGA-3'

ClinVar aggregate classification (germline): Likely pathogenic (1 of 4 stars; one submission).

Allele frequency attached by ClinVar (database versions not stated): gnomAD exomes below 0.00001.
gnomAD v4.1: 1 of 1,608,856 alleles (0.000062%); highest among the groups gnomAD compares: Non-Finnish European, 0.000085%; no homozygotes.

Submission:

Labcorp Genetics (formerly Invitae), Labcorp
Classification: Likely pathogenic. Last evaluated: 2023-09-01. Review status: criteria provided, single submitter. Criteria: Invitae Variant Classification Sherloc (09022015). Collection method: clinical testing. Allele origin: germline.
Comment: This variant has not been reported in the literature in individuals affected with RGS9-related conditions. In summary, the currently available evidence indicates that the variant is pathogenic, but additional data are needed to prove that conclusively. Therefore, this variant has been classified as Likely Pathogenic. Algorithms developed to predict the effect of sequence changes on RNA splicing suggest that this variant may disrupt the consensus splice site. ClinVar contains an entry for this variant (Variation ID: 1517046). This variant is not present in population databases (gnomAD no frequency). This sequence change affects an acceptor splice site in intron 12 of the RGS9 gene. It is expected to disrupt RNA splicing. Variants that disrupt the donor or acceptor splice site typically lead to a loss of protein function (PMID: 16199547), and loss-of-function variants in RGS9 are known to be pathogenic (PMID: 11262419, 14702087).

Literature cited by the submitters: PubMed 16199547; PubMed 11262419; PubMed 14702087.